The following is an entry in ClinVar:

ClinVar aggregate classification (germline): Uncertain significance. Review status: criteria provided, multiple submitters, no conflicts (2 of 4 stars). 2 submissions from 2 submitters: Uncertain significance (2). Last evaluated 2022-07-29.

Conditions:
Inborn genetic diseases. Identifiers: MedGen C0950123, MeSH D030342.

Allele frequency attached by ClinVar (database versions not stated): gnomAD exomes 0.00001; TOPMed 0.00001; gnomAD 0.00002.
gnomAD v4.1: 15 of 1,613,974 alleles (0.00093%); highest among the groups gnomAD compares: African/African-American, 0.0053%; no homozygotes.

Submissions (2):

Labcorp Genetics (formerly Invitae), Labcorp
Classification: Uncertain significance. Last evaluated: 2022-07-29. Review status: criteria provided, single submitter. Criteria: Invitae Variant Classification Sherloc (09022015). Collection method: clinical testing. Allele origin: germline.
Comment: This sequence change replaces aspartic acid, which is acidic and polar, with asparagine, which is neutral and polar, at codon 836 of the ZMIZ1 protein (p.Asp836Asn). This variant is present in population databases (no rsID available, gnomAD 0.004%). This variant has not been reported in the literature in individuals affected with ZMIZ1-related conditions. Algorithms developed to predict the effect of missense changes on protein structure and function (SIFT, PolyPhen-2, Align-GVGD) all suggest that this variant is likely to be tolerated. In summary, the available evidence is currently insufficient to determine the role of this variant in disease. Therefore, it has been classified as a Variant of Uncertain Significance.

Ambry Genetics
Classification: Uncertain significance for Inborn genetic diseases. Last evaluated: 2022-04-07. Review status: criteria provided, single submitter. Criteria: Ambry Variant Classification Scheme 2023. Collection method: clinical testing. Allele origin: germline.

NM_020338.4(ZMIZ1):c.2506G>A (p.Asp836Asn)

Gene: ZMIZ1 (zinc finger MIZ-type containing 1; plus strand). Cytogenetic location: 10q22.3.
Variant type: single nucleotide variant.
Coding change: c.2506G>A on transcript NM_020338.4 (MANE Select); coding-DNA position 2506, G replaced by A.
Protein change: p.Asp836Asn; replaces aspartic acid 836 with asparagine.
Molecular consequence: missense variant.
Genome position (GRCh38, 1-based): chr10:79,306,182, G>A. VCF-style: chr10-79306182-G-A. GRCh37 (hg19) VCF-style: chr10-81065939-G-A.
Other names: c.2506G>A (NM_020338.3); short protein forms D836N.
Identifiers: ClinVar variation 2281644 (VCV002281644.8), dbSNP rs1156339794, ClinGen allele CA377342562.